The following is an entry in ClinVar:

ClinVar aggregate classification (germline): Uncertain significance. Review status: criteria provided, multiple submitters, no conflicts (2 of 4 stars). 2 submissions from 2 submitters: Uncertain significance (2). Last evaluated 2024-01-14.

Conditions:
Hemorrhage, intracerebral, susceptibility to (ICH). Also called: Stroke, hemorrhagic, susceptibility to. Identifiers: MedGen C3281105, MONDO:0100533, OMIM 614519.
Microvascular complications of diabetes, susceptibility to, 3. Identifiers: MedGen C2675470, MONDO:0012963, OMIM 612624.
Renal tubular dysgenesis of genetic origin. Also called: PRIMITIVE RENAL TUBULE SYNDROME. Identifiers: Orphanet 97369, MedGen C5681536, MONDO:0009970, OMIM 267430.

Allele frequency attached by ClinVar (database versions not stated): TOPMed 0.00003; gnomAD 0.00005 and 0.00006; 1000 Genomes Project 30x 0.00031; 1000 Genomes Project 0.00040.
gnomAD v4.1: 29 of 1,613,562 alleles (0.0018%); highest among the groups gnomAD compares: African/African-American, 0.013%; no homozygotes.

Submissions (2):

Fulgent Genetics
Classification: Uncertain significance for Renal tubular dysgenesis of genetic origin; Microvascular complications of diabetes, susceptibility to, 3; Hemorrhage, intracerebral, susceptibility to. Last evaluated: 2024-01-14. Review status: criteria provided, single submitter. Criteria: ACMG Guidelines, 2015. Collection method: clinical testing. Allele origin: germline.

Labcorp Genetics (formerly Invitae), Labcorp
Classification: Uncertain significance. Last evaluated: 2021-03-26. Review status: criteria provided, single submitter. Criteria: Invitae Variant Classification Sherloc (09022015). Collection method: clinical testing. Allele origin: germline.
Comment: In summary, the available evidence is currently insufficient to determine the role of this variant in disease. Therefore, it has been classified as a Variant of Uncertain Significance. Algorithms developed to predict the effect of missense changes on protein structure and function are either unavailable or do not agree on the potential impact of this missense change (SIFT: "Deleterious"; PolyPhen-2: "Possibly Damaging"; Align-GVGD: "Class C0"). This variant has not been reported in the literature in individuals with ACE-related conditions. This variant is present in population databases (rs538166970, ExAC 0.02%). This sequence change replaces arginine with histidine at codon 1209 of the ACE protein (p.Arg1209His). The arginine residue is weakly conserved and there is a small physicochemical difference between arginine and histidine.

NM_000789.4(ACE):c.3626G>A (p.Arg1209His)

Gene: ACE (angiotensin I converting enzyme; plus strand). Cytogenetic location: 17q23.3.
Variant type: single nucleotide variant.
Coding change: c.3626G>A on transcript NM_000789.4 (MANE Select); coding-DNA position 3626, G replaced by A.
Protein change: p.Arg1209His; replaces arginine 1209 with histidine.
Molecular consequence: missense variant. On other transcripts: non-coding transcript variant (1).
Genome position (GRCh38, 1-based): chr17:63,496,920, G>A. VCF-style: chr17-63496920-G-A. GRCh37 (hg19) VCF-style: chr17-61574281-G-A.
Other names: c.1781G>A, p.Arg594His (NM_001178057.2); c.3059G>A, p.Arg1020His (NM_001382700.1); c.2774G>A, p.Arg925His (NM_001382701.1); c.1241G>A, p.Arg414His (NM_001382702.1); c.1904G>A, p.Arg635His (NM_152830.3); short protein forms R1020H, R1209H, R594H, R925H, R635H, R414H.
Identifiers: ClinVar variation 1494943 (VCV001494943.7), dbSNP rs538166970, ClinGen allele CA8700567.
Genomic context (GRCh38, chr17:63,496,920, plus strand): 5'-AGCCCAACATGAGCGCCTCGGCCATGTTGAGCTACTTCAAGCCGCTGCTGGACTGGCTCC[G>A]CACGGAGAACGAGCTGCATGGGGAGAAGCTGGGCTGGCCGCAGTACAACTGGACGCCGAA-3'
Protein context (NP_000780.1, residues 1199-1219): SYFKPLLDWL[Arg1209His]TENELHGEKL